The following is an entry in ClinVar:

NM_001042492.3(NF1):c.2090del (p.Asn697fs)

Gene: NF1 (neurofibromin 1; plus strand). Cytogenetic location: 17q11.2.
Variant type: Deletion.
Coding change: c.2090del on transcript NM_001042492.3 (MANE Select); coding-DNA position 2090, one base deleted (A; older notation c.2090delA).
Protein change: p.Asn697fs; shifts the reading frame from asparagine 697.
Molecular consequence: frameshift variant.
Genome position (GRCh38, 1-based): chr17:31,226,523, A deleted; the last of 2 consecutive A bases (chr17:31,226,522-31,226,523); deleting either gives the same sequence. VCF-style (leftmost placement, unchanged base first): chr17-31226521-GA-G. GRCh37 (hg19) VCF-style: chr17-29553539-GA-G.
Other names: c.2090delA, p.Asn697Thrfs (NM_000267.4); short protein forms N697fs.
Identifiers: ClinVar variation 2108156 (VCV002108156.4), dbSNP rs2508155870, ClinGen allele CA2580093144.
Genomic context (GRCh38, chr17:31,226,521, plus strand): 5'-CCCCCCGATTTGCCGACAAGCCCAGACCAAACTAGAAGTGGCCCTGTACATGTTTCTGTG[GA>G]ACCCTGACACTGAAGCTGTTCTGGTTGCCATGTCCTGTTTCCGCCACCTCTGTGAGGAAG-3'

ClinVar aggregate classification (germline): Pathogenic (1 of 4 stars; one submission).

Conditions:
Neurofibromatosis, type 1 (NF1). Also called: Peripheral type neurofibromatosis; NEUROFIBROMATOSIS, TYPE I, SOMATIC; VON RECKLINGHAUSEN DISEASE; Neurofibromatosis, type I. Identifiers: Orphanet 636, MedGen C0027831, MONDO:0018975, OMIM 162200. Disease mechanism: loss of function.

Submission:

Labcorp Genetics (formerly Invitae), Labcorp
Classification: Pathogenic for Neurofibromatosis, type 1. Last evaluated: 2022-03-30. Review status: criteria provided, single submitter. Criteria: Invitae Variant Classification Sherloc (09022015). Collection method: clinical testing. Allele origin: germline.
Comment: This sequence change creates a premature translational stop signal (p.Asn697Thrfs*51) in the NF1 gene. It is expected to result in an absent or disrupted protein product. Loss-of-function variants in NF1 are known to be pathogenic (PMID: 10712197, 23913538). For these reasons, this variant has been classified as Pathogenic. This variant has not been reported in the literature in individuals affected with NF1-related conditions. This variant is not present in population databases (gnomAD no frequency).

Literature cited by the submitters: PubMed 10712197; PubMed 23913538.